The following is an entry in ClinVar:

NM_004304.5(ALK):c.2860G>A (p.Asp954Asn)

Gene: ALK (ALK receptor tyrosine kinase; minus strand). Cytogenetic location: 2p23.2.
Variant type: single nucleotide variant.
Coding change: c.2860G>A on transcript NM_004304.5 (MANE Select); coding-DNA position 2860, G replaced by A.
Protein change: p.Asp954Asn; replaces aspartic acid 954 with asparagine.
Molecular consequence: missense variant.
Genome position (GRCh38, 1-based): chr2:29,227,628, C>T on the plus strand (G>A on the coding strand, the complement: ALK is on the minus strand). VCF-style: chr2-29227628-C-T. GRCh37 (hg19) VCF-style: chr2-29450494-C-T.
Other names: short protein forms D954N.
Identifiers: ClinVar variation 2756912 (VCV002756912.3), dbSNP rs2465973575, ClinGen allele CA346468623.

ClinVar aggregate classification (germline): Uncertain significance (1 of 4 stars; one submission).

Conditions:
Neuroblastoma, susceptibility to, 3. Also called: ALK-Related Neuroblastic Tumor Susceptibility. Identifiers: Orphanet 635, MedGen C2751681, MONDO:0013083, OMIM 613014.

Submission:

Labcorp Genetics (formerly Invitae), Labcorp
Classification: Uncertain significance for Neuroblastoma, susceptibility to, 3. Last evaluated: 2023-08-31. Review status: criteria provided, single submitter. Criteria: Invitae Variant Classification Sherloc (09022015). Collection method: clinical testing. Allele origin: germline.
Comment: In summary, the available evidence is currently insufficient to determine the role of this variant in disease. Therefore, it has been classified as a Variant of Uncertain Significance. Algorithms developed to predict the effect of sequence changes on RNA splicing suggest that this variant may disrupt the consensus splice site. An algorithm developed to predict the effect of missense changes on protein structure and function (PolyPhen-2) suggests that this variant is likely to be disruptive. This variant has not been reported in the literature in individuals affected with ALK-related conditions. This variant is not present in population databases (gnomAD no frequency). This sequence change replaces aspartic acid, which is acidic and polar, with asparagine, which is neutral and polar, at codon 954 of the ALK protein (p.Asp954Asn).